The following is an entry in ClinVar:

ClinVar aggregate classification (germline): Uncertain significance (1 of 4 stars; one submission).

Allele frequency attached by ClinVar (database versions not stated): TOPMed below 0.00001; gnomAD 0.00001.

Submission:

Labcorp Genetics (formerly Invitae), Labcorp
Classification: Uncertain significance. Last evaluated: 2020-11-23. Review status: criteria provided, single submitter. Criteria: Invitae Variant Classification Sherloc (09022015). Collection method: clinical testing. Allele origin: germline.
Comment: In summary, the available evidence is currently insufficient to determine the role of this variant in disease. Therefore, it has been classified as a Variant of Uncertain Significance. Algorithms developed to predict the effect of missense changes on protein structure and function are either unavailable or do not agree on the potential impact of this missense change (SIFT: "Tolerated"; PolyPhen-2: "Probably Damaging"; Align-GVGD: "Class C0"). This variant has not been reported in the literature in individuals with IRF2BP2-related conditions. The frequency data for this variant in the population databases is considered unreliable, as metrics indicate insufficient coverage at this position in the ExAC database. This sequence change replaces glycine with aspartic acid at codon 100 of the IRF2BP2 protein (p.Gly100Asp). The glycine residue is weakly conserved and there is a moderate physicochemical difference between glycine and aspartic acid.

NM_182972.3(IRF2BP2):c.299G>A (p.Gly100Asp)

Genes: IRF2BP2 (interferon regulatory factor 2 binding protein 2; minus strand), LOC129932812 (ATAC-STARR-seq lymphoblastoid silent region 1977; plus strand). Cytogenetic location: 1q42.3.
Variant type: single nucleotide variant.
Coding change: c.299G>A on transcript NM_182972.3 (MANE Select); coding-DNA position 299, G replaced by A.
Protein change: p.Gly100Asp; replaces glycine 100 with aspartic acid.
Molecular consequence: missense variant.
Genome position (GRCh38, 1-based): chr1:234,609,196, C>T on the plus strand (G>A on the coding strand, the complement: IRF2BP2 is on the minus strand). VCF-style: chr1-234609196-C-T. GRCh37 (hg19) VCF-style: chr1-234744942-C-T.
Other names: c.299G>A, p.Gly100Asp (NM_001077397.1); short protein forms G100D.
Identifiers: ClinVar variation 1425138 (VCV001425138.8), dbSNP rs1352281059, ClinGen allele CA345311259.